The following is an entry in ClinVar:

NM_001353345.2(SETD1B):c.2605C>G (p.Leu869Val)

Gene: SETD1B (SET domain containing 1B, histone lysine methyltransferase; plus strand). Cytogenetic location: 12q24.31.
Variant type: single nucleotide variant.
Coding change: c.2605C>G on transcript NM_001353345.2 (MANE Select); coding-DNA position 2605, C replaced by G.
Protein change: p.Leu869Val; replaces leucine 869 with valine.
Molecular consequence: missense variant.
Genome position (GRCh38, 1-based): chr12:121,814,820, C>G. VCF-style: chr12-121814820-C-G. GRCh37 (hg19) VCF-style: chr12-122252726-C-G.
Other names: short protein forms L869V.
Identifiers: ClinVar variation 4076403 (VCV004076403.1).
Genomic context (GRCh38, chr12:121,814,820, plus strand): 5'-TACATGCCACGCCAGGAGGACCCACACAAAGCCACGGTGGATGGCGTCCTGCTGGTGGTC[C>G]TCAAAGAACTCAAGGCCATCATGAAGCGTGACCTGAACCGCAAGATGGTGGAAGTGGTGG-3'
Protein context (NP_001340274.1, residues 859-879): ATVDGVLLVV[Leu869Val]KELKAIMKRD

ClinVar aggregate classification (germline): Uncertain significance (1 of 4 stars; one submission).

Conditions:
Intellectual developmental disorder with seizures and language delay (IDDSELD). Identifiers: MedGen C5436574, MONDO:0033559, OMIM 619000.

Submission:

Laboratorio de Genetica e Diagnostico Molecular, Hospital Israelita Albert Einstein
Classification: Uncertain significance for Intellectual developmental disorder with seizures and language delay. Last evaluated: 2024-08-02. Review status: criteria provided, single submitter. Criteria: ACMG Guidelines, 2015. Collection method: clinical testing. Allele origin: germline. Affected: yes.
Comment: ACMG classification criteria: PM2 supporting, PP2 supporting, BP4 supporting